The following is an entry in ClinVar:

NM_001386393.1(PANK2):c.526C>T (p.Arg176Cys)

Gene: PANK2 (pantothenate kinase 2; plus strand). Cytogenetic location: 20p13.
Variant type: single nucleotide variant.
Coding change: c.526C>T on transcript NM_001386393.1 (MANE Select); coding-DNA position 526, C replaced by T.
Protein change: p.Arg176Cys; replaces arginine 176 with cysteine.
Molecular consequence: missense variant. On other transcripts: 5 prime UTR variant (3), intron variant (1).
Genome position (GRCh38, 1-based): chr20:3,908,153, C>T. VCF-style: chr20-3908153-C-T. GRCh37 (hg19) VCF-style: chr20-3888800-C-T.
Other names: R176C; c.-18C>T (NM_001324191.2, NM_024960.6, NM_153640.4); c.856C>T, p.Arg286Cys (NM_001324192.1, NM_153638.4); c.-328+18C>T (NM_001324193.2); short protein forms R286C.
Identifiers: ClinVar variation 4551 (VCV000004551.9), dbSNP rs137852962, ClinGen allele CA253212.
Genomic context (GRCh38, chr20:3,908,153, plus strand): 5'-GTGCACCTCGAGCTGAAGGACCTGACTCTGTGTGGACGCAAAGGCAATCTGCACTTTATA[C>T]GCTTTCCCACTCATGACATGCCTGCTTTTATTCAAATGGGCAGAGATAAAAACTTCTCGA-3'
Protein context (NP_001373322.1, residues 166-186): CGRKGNLHFI[Arg176Cys]FPTHDMPAFI

ClinVar aggregate classification (germline): Pathogenic/Likely pathogenic. Review status: criteria provided, multiple submitters, no conflicts (2 of 4 stars). 4 submissions from 4 submitters: Pathogenic (2); Likely pathogenic (1). 1 of the submissions does not count toward it. Last evaluated 2023-08-30.

Conditions:
Pigmentary pallidal degeneration (NBIA1). Also called: PKAN NEUROAXONAL DYSTROPHY, JUVENILE-ONSET; Neuroaxonal dystrophy, late infantile; Hallervorden-Spatz disease; Pantothenate Kinase-Associated Neurodegeneration; HARP SYNDROME; Neurodegeneration with brain iron accumulation 1. Identifiers: Orphanet 157850, MedGen C0018523, MONDO:0009319, OMIM 234200.

Allele frequency attached by ClinVar (database versions not stated): gnomAD exomes below 0.00001 and 0.00001; gnomAD 0.00001; TOPMed below 0.00001; ExAC 0.00001.

Submissions (4):

Labcorp Genetics (formerly Invitae), Labcorp
Classification: Pathogenic for Pigmentary pallidal degeneration. Last evaluated: 2023-08-30. Review status: criteria provided, single submitter. Criteria: Invitae Variant Classification Sherloc (09022015). Collection method: clinical testing. Allele origin: germline.
Comment: This missense change has been observed in individual(s) with neurodegeneration with brain iron accumulation (PMID: 11479594, 16437574, 22221393). For these reasons, this variant has been classified as Pathogenic. Experimental studies are conflicting or provide insufficient evidence to determine the effect of this variant on PANK2 function (PMID: 16272150). Advanced modeling of protein sequence and biophysical properties (such as structural, functional, and spatial information, amino acid conservation, physicochemical variation, residue mobility, and thermodynamic stability) has been performed at Invitae for this missense variant, however the output from this modeling did not meet the statistical confidence thresholds required to predict the impact of this variant on PANK2 protein function. ClinVar contains an entry for this variant (Variation ID: 4551). This variant is also known as R176C. This variant is present in population databases (rs137852962, gnomAD 0.006%). This sequence change replaces arginine, which is basic and polar, with cysteine, which is neutral and slightly polar, at codon 286 of the PANK2 protein (p.Arg286Cys).

Neuberg Centre For Genomic Medicine, NCGM
Classification: Likely pathogenic for Pigmentary pallidal degeneration. Last evaluated: 2023-07-22. Review status: criteria provided, single submitter. Criteria: ACMG Guidelines, 2015. Collection method: clinical testing. Allele origin: germline. Inheritance: Autosomal recessive inheritance. Affected: yes.
Comment: The observed missense c.526C>Tp.Arg176Cys variant in PANK2 gene has been previously observed in homozygous/compound heterozygous states in multiple individuals affected with neurodegenrative disorders associated with iron accumulation. Experimental studies on this variant in PANK2 gene provides insufficient evidence. This variant is present with allele frequency 0.0008% in the gnomAD Exomes. It has been submitted to ClinVar as Pathogenic variant. Multiple lines of computational evidences Polyphen - Probably damaging and MutationTaster - Disease causing predict a damaging effect on protein structure and function for this variant. The reference amino acid of p.Arg176Cys in PANK2 gene is predicted as conserved by GERP++ and PhyloP across 100 vertebrates. The amino acid Arg at position 176 is changed to a Cys changing protein sequence and it might alter its composition and physico-chemical properties. For these reasons, this variant has been classified as Likely Pathogenic.

Juno Genomics, Hangzhou Juno Genomics, Inc
Classification: Pathogenic for Pigmentary pallidal degeneration. Review status: criteria provided, single submitter. Criteria: ACMG Guidelines, 2015. Collection method: clinical testing. Allele origin: germline.
Comment: Absent from controls (or at extremely low frequency if recessive) in Genome Aggregation Database.;Multiple lines of computational evidence support a deleterious effect on the gene or gene product.;For recessive disorders, detected in trans with a pathogenic variant.;Co-segregation with disease in multiple affected family members.

OMIM
Classification: Pathogenic for NEURODEGENERATION WITH BRAIN IRON ACCUMULATION 1. Last evaluated: 2001-08-01. Review status: no assertion criteria provided. Collection method: literature only. Allele origin: germline. Not counted in ClinVar's aggregate classification.

Literature cited by the submitters: PubMed 11479594 (cited by Labcorp Genetics (formerly Invitae), Labcorp and OMIM); PubMed 16437574 (cited by Labcorp Genetics (formerly Invitae), Labcorp); PubMed 22221393 (cited by Labcorp Genetics (formerly Invitae), Labcorp); PubMed 16272150 (cited by Labcorp Genetics (formerly Invitae), Labcorp).